The following is an entry in ClinVar:

ClinVar aggregate classification (germline): Uncertain significance (1 of 4 stars; one submission).

Conditions:
Glycogen storage disease due to lactate dehydrogenase M-subunit deficiency (GSD11). Also called: Glycogen storage disease XI; GSD XI; LACTATE DEHYDROGENASE A DEFICIENCY. Identifiers: Orphanet 284426, MedGen C2931743, MONDO:0013047, OMIM 612933.

Allele frequency attached by ClinVar (database versions not stated): gnomAD 0.00001; gnomAD exomes 0.00002; ExAC 0.00004.
gnomAD v4.1: 23 of 1,439,064 alleles (0.0016%); highest among the groups gnomAD compares: South Asian, 0.026%; 1 homozygote.

Submission:

Labcorp Genetics (formerly Invitae), Labcorp
Classification: Uncertain significance for Glycogen storage disease due to lactate dehydrogenase M-subunit deficiency. Last evaluated: 2022-06-22. Review status: criteria provided, single submitter. Criteria: Invitae Variant Classification Sherloc (09022015). Collection method: clinical testing. Allele origin: germline.
Comment: In summary, the available evidence is currently insufficient to determine the role of this variant in disease. Therefore, it has been classified as a Variant of Uncertain Significance. Variants that disrupt the consensus splice site are a relatively common cause of aberrant splicing (PMID: 17576681, 9536098). Algorithms developed to predict the effect of sequence changes on RNA splicing suggest that this variant is not likely to affect RNA splicing. This variant has not been reported in the literature in individuals affected with LDHA-related conditions. This variant is present in population databases (rs768335491, gnomAD 0.03%). This sequence change falls in intron 6 of the LDHA gene. It does not directly change the encoded amino acid sequence of the LDHA protein. It affects a nucleotide within the consensus splice site.

Literature cited by the submitters: PubMed 17576681; PubMed 9536098.

NM_005566.4(LDHA):c.710+5T>C

Gene: LDHA (lactate dehydrogenase A; plus strand). Cytogenetic location: 11p15.1.
Variant type: single nucleotide variant.
Coding change: c.710+5T>C on transcript NM_005566.4 (MANE Select); 5 bases into the intron after coding-DNA position 710, T replaced by C.
Molecular consequence: intron variant.
Genome position (GRCh38, 1-based): chr11:18,403,816, T>C. VCF-style: chr11-18403816-T-C. GRCh37 (hg19) VCF-style: chr11-18425363-T-C.
Other names: c.710+5T>C (NM_001165416.2); c.536+5T>C (NM_001135239.2); c.687+28T>C (NM_001165415.2); c.797+5T>C (NM_001165414.2).
Identifiers: ClinVar variation 1924290 (VCV001924290.5), dbSNP rs768335491, ClinGen allele CA5911362.